The following is an entry in ClinVar:

NM_001394073.1(HS6ST2):c.152G>T (p.Arg51Leu)

Gene: HS6ST2 (heparan sulfate 6-O-sulfotransferase 2; minus strand). Cytogenetic location: Xq26.2.
Variant type: single nucleotide variant.
Coding change: c.152G>T on transcript NM_001394073.1 (MANE Select); coding-DNA position 152, G replaced by T.
Protein change: p.Arg51Leu; replaces arginine 51 with leucine.
Molecular consequence: missense variant.
Genome position (GRCh38, 1-based): chrX:132,958,451, C>A on the plus strand (G>T on the coding strand, the complement: HS6ST2 is on the minus strand). VCF-style: chrX-132958451-C-A. GRCh37 (hg19) VCF-style: chrX-132092479-C-A.
Other names: c.152G>T, p.Arg51Leu (NM_001077188.2, NM_001394074.1, NM_147175.4); short protein forms R51L.
Identifiers: ClinVar variation 770313 (VCV000770313.7), dbSNP rs202179309, ClinGen allele CA10519699.

ClinVar aggregate classification (germline): Benign. Review status: criteria provided, multiple submitters, no conflicts (2 of 4 stars). 3 submissions from 3 submitters: Benign (2). 1 of the submissions does not count toward it. Last evaluated 2019-12-31.

Conditions:
HS6ST2-related disorder. Also called: HS6ST2-related condition.

Allele frequency attached by ClinVar (database versions not stated): ESP Exome Variant Server 0.00145; gnomAD 0.00269 and 0.00291; TOPMed 0.00443; 1000 Genomes Project 0.00556; 1000 Genomes Project 30x 0.00645.
gnomAD v4.1: 3,012 of 1,197,403 alleles (0.25%); highest among the groups gnomAD compares: Admixed American, 2.5%; 23 homozygotes.

Submissions (3):

Labcorp Genetics (formerly Invitae), Labcorp
Classification: Benign. Last evaluated: 2019-12-31. Review status: criteria provided, single submitter. Criteria: Invitae Variant Classification Sherloc (09022015). Collection method: clinical testing. Allele origin: germline.

Breakthrough Genomics
Classification: Benign. Review status: criteria provided, single submitter. Criteria: ACMG Guidelines, 2015. Collection method: not provided. Allele origin: germline. Inheritance: X-linked inheritance. Affected: yes.

PreventionGenetics, part of Exact Sciences
Classification: Benign for HS6ST2-related condition. Last evaluated: 2024-02-02. Review status: no assertion criteria provided. Collection method: clinical testing. Allele origin: germline. Not counted in ClinVar's aggregate classification.
Comment: This variant is classified as benign based on ACMG/AMP sequence variant interpretation guidelines (Richards et al. 2015 PMID: 25741868, with internal and published modifications).